The following is an entry in ClinVar:

NM_153676.4(USH1C):c.2246T>C (p.Met749Thr)

Gene: USH1C (USH1 protein network component harmonin; minus strand). Cytogenetic location: 11p15.1.
Variant type: single nucleotide variant.
Coding change: c.2246T>C on transcript NM_153676.4 (MANE Select); coding-DNA position 2246, T replaced by C.
Protein change: p.Met749Thr; replaces methionine 749 with threonine.
Molecular consequence: missense variant. On other transcripts: non-coding transcript variant (1).
Genome position (GRCh38, 1-based): chr11:17,501,516, A>G on the plus strand (T>C on the coding strand, the complement: USH1C is on the minus strand). VCF-style: chr11-17501516-A-G. GRCh37 (hg19) VCF-style: chr11-17523063-A-G.
Other names: c.1289T>C, p.Met430Thr (NM_001297764.2); c.1346T>C, p.Met449Thr (NM_005709.4); c.1346T>C (NM_005709.3); short protein forms M449T, M430T, M749T.
Identifiers: ClinVar variation 2157092 (VCV002157092.4), dbSNP rs370437884, ClinGen allele CA5904263.

ClinVar aggregate classification (germline): Uncertain significance. Review status: criteria provided, multiple submitters, no conflicts (2 of 4 stars). 2 submissions from 2 submitters: Uncertain significance (2). Last evaluated 2024-02-23.

Conditions:
Inborn genetic diseases. Identifiers: MedGen C0950123, MeSH D030342.

Allele frequency attached by ClinVar (database versions not stated): gnomAD 0.00004; gnomAD exomes 0.00005; TOPMed 0.00006; ExAC 0.00022; ESP Exome Variant Server 0.00023.
gnomAD v4.1: 82 of 1,612,970 alleles (0.0051%); highest among the groups gnomAD compares: Non-Finnish European, 0.0066%; no homozygotes.

Submissions (2):

Labcorp Genetics (formerly Invitae), Labcorp
Classification: Uncertain significance. Last evaluated: 2024-02-23. Review status: criteria provided, single submitter. Criteria: Invitae Variant Classification Sherloc (09022015). Collection method: clinical testing. Allele origin: germline.
Comment: This sequence change replaces methionine, which is neutral and non-polar, with threonine, which is neutral and polar, at codon 449 of the USH1C protein (p.Met449Thr). This variant is present in population databases (rs370437884, gnomAD 0.02%). This variant has not been reported in the literature in individuals affected with USH1C-related conditions. ClinVar contains an entry for this variant (Variation ID: 2157092). Algorithms developed to predict the effect of missense changes on protein structure and function output the following: SIFT: "Not Available"; PolyPhen-2: "Benign"; Align-GVGD: "Not Available". The threonine amino acid residue is found in multiple mammalian species, which suggests that this missense change does not adversely affect protein function. In summary, the available evidence is currently insufficient to determine the role of this variant in disease. Therefore, it has been classified as a Variant of Uncertain Significance.

Ambry Genetics
Classification: Uncertain significance for Inborn genetic diseases. Last evaluated: 2023-04-07. Review status: criteria provided, single submitter. Criteria: Ambry Variant Classification Scheme 2023. Collection method: clinical testing. Allele origin: germline.